The following is an entry in ClinVar:

NM_020975.6(RET):c.2072G>T (p.Gly691Val)

Gene: RET (ret proto-oncogene; plus strand). Cytogenetic location: 10q11.21.
Variant type: single nucleotide variant.
Coding change: c.2072G>T on transcript NM_020975.6 (MANE Select); coding-DNA position 2072, G replaced by T.
Protein change: p.Gly691Val; replaces glycine 691 with valine.
Molecular consequence: missense variant.
Genome position (GRCh38, 1-based): chr10:43,114,672, G>T. VCF-style: chr10-43114672-G-T. GRCh37 (hg19) VCF-style: chr10-43610120-G-T.
Other names: c.2072G>T, p.Gly691Val (NM_000323.2, NM_001406743.1, NM_001406744.1 and 4 more transcripts); c.1310G>T, p.Gly437Val (NM_001355216.2); c.1943G>T, p.Gly648Val (NM_001406761.1, NM_001406762.1, NM_001406764.1); c.1937G>T, p.Gly646Val (NM_001406763.1, NM_001406765.1); c.1784G>T, p.Gly595Val (NM_001406766.1, NM_001406767.1, NM_001406770.1); c.1808G>T, p.Gly603Val (NM_001406768.1); c.1676G>T, p.Gly559Val (NM_001406769.1, NM_001406772.1); c.1634G>T, p.Gly545Val (NM_001406771.1, NM_001406773.1); and 10 more; short protein forms G208V, G256V, G352V, G449V, G603V, G648V, G361V, G437V.
Identifiers: ClinVar variation 1785415 (VCV001785415.2), dbSNP rs2132852797, ClinGen allele CA376553255.

ClinVar aggregate classification (germline): Uncertain significance (1 of 4 stars; one submission).

Conditions:
Hereditary cancer-predisposing syndrome. Also called: Neoplastic Syndromes, Hereditary; Tumor predisposition; Hereditary Cancer Syndrome; Hereditary neoplastic syndrome. Identifiers: Orphanet 140162, MedGen C0027672, MeSH D009386, MONDO:0015356.

Submission:

Ambry Genetics
Classification: Uncertain significance for Hereditary cancer-predisposing syndrome. Last evaluated: 2022-05-15. Review status: criteria provided, single submitter. Criteria: Ambry Variant Classification Scheme 2023. Collection method: clinical testing. Allele origin: germline.
Comment: The p.G691V variant (also known as c.2072G>T), located in coding exon 11 of the RET gene, results from a G to T substitution at nucleotide position 2072. The glycine at codon 691 is replaced by valine, an amino acid with dissimilar properties. This amino acid position is conserved. In addition, this alteration is predicted to be tolerated by in silico analysis. Since supporting evidence is limited at this time, the clinical significance of this alteration remains unclear.